The following is an entry in ClinVar:

NM_000051.4(ATM):c.3995T>G (p.Ile1332Ser)

Gene: ATM (ATM serine/threonine kinase; plus strand). Cytogenetic location: 11q22.3.
Variant type: single nucleotide variant.
Coding change: c.3995T>G on transcript NM_000051.4 (MANE Select); coding-DNA position 3995, T replaced by G.
Protein change: p.Ile1332Ser; replaces isoleucine 1332 with serine.
Molecular consequence: missense variant.
Genome position (GRCh38, 1-based): chr11:108,287,601, T>G. VCF-style: chr11-108287601-T-G. GRCh37 (hg19) VCF-style: chr11-108158328-T-G.
Other names: c.3995T>G, p.Ile1332Ser (NM_001351834.2); short protein forms I1332S.
Identifiers: ClinVar variation 419344 (VCV000419344.16), dbSNP rs1064793805, ClinGen allele CA16619172.

ClinVar aggregate classification (germline): Uncertain significance. Review status: criteria provided, multiple submitters, no conflicts (2 of 4 stars). 6 submissions from 6 submitters: Uncertain significance (5). 1 of the submissions does not count toward it. Last evaluated 2025-02-19.

Conditions:
Hereditary cancer-predisposing syndrome. Also called: Hereditary neoplastic syndrome; Hereditary Cancer Syndrome; Neoplastic Syndromes, Hereditary; Tumor predisposition. Identifiers: Orphanet 140162, MedGen C0027672, MeSH D009386, MONDO:0015356.
Ataxia-telangiectasia syndrome (AT). Also called: Ataxia-telangiectasia, complementation group D; Cerebello-oculocutaneous telangiectasia; Immunodeficiency with ataxia telangiectasia; ATAXIA-TELANGIECTASIA, COMPLEMENTATION GROUP A; ATAXIA-TELANGIECTASIA, FRESNO VARIANT; LOUIS-BAR SYNDROME. Identifiers: Orphanet 100, MedGen C0004135, MONDO:0008840, OMIM 208900.

Allele frequency attached by ClinVar (database versions not stated): TOPMed below 0.00001; gnomAD 0.00001.
gnomAD v4.1: 2 of 1,599,110 alleles (0.00013%); highest among the groups gnomAD compares: Non-Finnish European, 0.00017%; no homozygotes.

Submissions (6):

Quest Diagnostics Nichols Institute San Juan Capistrano
Classification: Uncertain significance. Last evaluated: 2025-02-19. Review status: criteria provided, single submitter. Criteria: Quest Diagnostics criteria. Collection method: clinical testing. Allele origin: unknown.

Ambry Genetics
Classification: Uncertain significance for Hereditary cancer-predisposing syndrome. Last evaluated: 2024-04-01. Review status: criteria provided, single submitter. Criteria: Ambry Variant Classification Scheme 2023. Collection method: clinical testing. Allele origin: germline.
Comment: The p.I1332S variant (also known as c.3995T>G), located in coding exon 26 of the ATM gene, results from a T to G substitution at nucleotide position 3995. The isoleucine at codon 1332 is replaced by serine, an amino acid with dissimilar properties. This amino acid position is well conserved in available vertebrate species. In addition, this alteration is predicted to be deleterious by in silico analysis. Since supporting evidence is limited at this time, the clinical significance of this alteration remains unclear.

GeneDx
Classification: Uncertain significance. Last evaluated: 2023-12-01. Review status: criteria provided, single submitter. Criteria: GeneDx Variant Classification Process June 2021. Collection method: clinical testing. Allele origin: germline. Affected: yes.
Comment: Not observed at significant frequency in large population cohorts (gnomAD); In silico analysis supports that this missense variant has a deleterious effect on protein structure/function; Has not been previously published as pathogenic or benign to our knowledge

Labcorp Genetics (formerly Invitae), Labcorp
Classification: Uncertain significance for Ataxia-telangiectasia syndrome. Last evaluated: 2022-08-21. Review status: criteria provided, single submitter. Criteria: Invitae Variant Classification Sherloc (09022015). Collection method: clinical testing. Allele origin: germline.
Comment: This sequence change replaces isoleucine, which is neutral and non-polar, with serine, which is neutral and polar, at codon 1332 of the ATM protein (p.Ile1332Ser). This variant is not present in population databases (gnomAD no frequency). This variant has not been reported in the literature in individuals affected with ATM-related conditions. ClinVar contains an entry for this variant (Variation ID: 419344). Algorithms developed to predict the effect of missense changes on protein structure and function (SIFT, PolyPhen-2, Align-GVGD) all suggest that this variant is likely to be disruptive. In summary, the available evidence is currently insufficient to determine the role of this variant in disease. Therefore, it has been classified as a Variant of Uncertain Significance.

Color Diagnostics, LLC DBA Color Health
Classification: Uncertain significance for Hereditary cancer-predisposing syndrome. Last evaluated: 2022-03-07. Review status: criteria provided, single submitter. Criteria: ACMG Guidelines, 2015. Collection method: clinical testing. Allele origin: germline.
Comment: This missense variant replaces isoleucine with serine at codon 1332 of the ATM protein. Computational prediction is inconclusive regarding the impact of this variant on protein structure and function (internally defined REVEL score threshold 0.5 < inconclusive < 0.7, PMID: 27666373). To our knowledge, functional studies have not been reported for this variant. In a large international case-control study, this variant was reported in 1/60465 breast cancer cases and 0/53461 controls (PMID: 33471991). This variant has not been identified in the general population by the Genome Aggregation Database (gnomAD). The available evidence is insufficient to determine the role of this variant in disease conclusively. Therefore, this variant is classified as a Variant of Uncertain Significance.

Natera, Inc.
Classification: Uncertain significance for Ataxia-telangiectasia. Last evaluated: 2020-09-16. Review status: no assertion criteria provided. Collection method: clinical testing. Allele origin: germline. Not counted in ClinVar's aggregate classification.

Literature cited by the submitters: PubMed 33471991 (cited by Color Diagnostics, LLC DBA Color Health).